The following is an entry in ClinVar:

ClinVar aggregate classification (germline): Uncertain significance (1 of 4 stars; one submission).

Allele frequency attached by ClinVar (database versions not stated): gnomAD exomes below 0.00001.
gnomAD v4.1: 1 of 1,613,790 alleles (0.000062%); highest among the groups gnomAD compares: Non-Finnish European, 0.000085%; no homozygotes.

Submission:

Labcorp Genetics (formerly Invitae), Labcorp
Classification: Uncertain significance. Last evaluated: 2022-04-17. Review status: criteria provided, single submitter. Criteria: Invitae Variant Classification Sherloc (09022015). Collection method: clinical testing. Allele origin: germline.
Comment: In summary, the available evidence is currently insufficient to determine the role of this variant in disease. Therefore, it has been classified as a Variant of Uncertain Significance. Algorithms developed to predict the effect of missense changes on protein structure and function are either unavailable or do not agree on the potential impact of this missense change (SIFT: "Deleterious"; PolyPhen-2: "Benign"; Align-GVGD: "Class C0"). This sequence change replaces histidine, which is basic and polar, with tyrosine, which is neutral and polar, at codon 131 of the DNM1L protein (p.His131Tyr). This variant is not present in population databases (gnomAD no frequency). This variant has not been reported in the literature in individuals affected with DNM1L-related conditions.

NM_012062.5(DNM1L):c.391C>T (p.His131Tyr)

Gene: DNM1L (dynamin 1 like; plus strand). Cytogenetic location: 12p11.21.
Variant type: single nucleotide variant.
Coding change: c.391C>T on transcript NM_012062.5 (MANE Select); coding-DNA position 391, C replaced by T.
Protein change: p.His131Tyr; replaces histidine 131 with tyrosine.
Molecular consequence: missense variant. On other transcripts: intron variant (1).
Genome position (GRCh38, 1-based): chr12:32,710,950, C>T. VCF-style: chr12-32710950-C-T. GRCh37 (hg19) VCF-style: chr12-32863884-C-T.
Other names: c.391C>T, p.His131Tyr (NM_001278463.2, NM_005690.5, NM_012063.4); c.430C>T, p.His144Tyr (NM_001278464.2, NM_001278465.2, NM_001330380.2); c.131+3537C>T (NM_001278466.2); short protein forms H131Y, H144Y.
Identifiers: ClinVar variation 2081439 (VCV002081439.4), dbSNP rs374865870, ClinGen allele CA384366802.
Genomic context (GRCh38, chr12:32,710,950, plus strand): 5'-TTCATTGAAATTTTAATATATTTTAAAATTTATTTTTAGGGAGTAAGCCCTGAACCAATT[C>T]ATCTTAAGATTTTTTCACCCAACGTTGTCAATTTGACACTTGTGGATTTGCCAGGAATGA-3'
Protein context (NP_036192.2, residues 121-141): NNKGVSPEPI[His131Tyr]LKIFSPNVVN